The following is an entry in ClinVar:

NC_000016.9:g.74808495_74808504dupCCTGGCCCGC

Genes: FA2H (fatty acid 2-hydroxylase; minus strand), LOC130059394 (ATAC-STARR-seq lymphoblastoid silent region 7701; plus strand). Cytogenetic location: 16q23.1.
Variant type: Microsatellite.
Molecular consequence: frameshift variant (on NM_024306.5).
Genome position: GRCh38 VCF-style: chr16-74774586-T-TCCTGGCCCGC. GRCh37 (hg19) VCF-style: chr16-74808484-T-TCCTGGCCCGC.
Other names: c.160_169dup, p.Asp57fs (NM_024306.5); short protein forms D57fs.
Identifiers: ClinVar variation 242580 (VCV000242580.10), dbSNP rs794729214, ClinGen allele CA052490.

ClinVar aggregate classification (germline): Pathogenic (1 of 4 stars; one submission).

Conditions:
Spastic paraplegia. Identifiers: MedGen C0037772, HP:0001258.

Allele frequency attached by ClinVar (database versions not stated): TOPMed below 0.00001.

Submission:

Labcorp Genetics (formerly Invitae), Labcorp
Classification: Pathogenic for Spastic paraplegia. Last evaluated: 2020-02-21. Review status: criteria provided, single submitter. Criteria: Invitae Variant Classification Sherloc (09022015). Collection method: clinical testing. Allele origin: germline.
Comment: Loss-of-function variants in FA2H are known to be pathogenic (PMID: 20853438, 25496456, 25732363, 26344562). For these reasons, this variant has been classified as Pathogenic. This variant has been observed in individual(s) with hereditary spastic paraplegia (PMID: 25732363, 29376581). This sequence change creates a premature translational stop signal (p.Asp57Glyfs*48) in the FA2H gene. It is expected to result in an absent or disrupted protein product. The frequency data for this variant in the population databases is considered unreliable, as metrics indicate insufficient coverage at this position in the ExAC database.

Literature cited by the submitters: PubMed 20853438; PubMed 25496456; PubMed 25732363; PubMed 26344562; PubMed 29376581.